The following is an entry in ClinVar:

NM_004984.4(KIF5A):c.2452G>C (p.Glu818Gln)

Gene: KIF5A (kinesin family member 5A; plus strand). Cytogenetic location: 12q13.3.
Variant type: single nucleotide variant.
Coding change: c.2452G>C on transcript NM_004984.4 (MANE Select); coding-DNA position 2452, G replaced by C.
Protein change: p.Glu818Gln; replaces glutamic acid 818 with glutamine.
Molecular consequence: missense variant.
Genome position (GRCh38, 1-based): chr12:57,578,256, G>C. VCF-style: chr12-57578256-G-C. GRCh37 (hg19) VCF-style: chr12-57972039-G-C.
Other names: c.2185G>C, p.Glu729Gln (NM_001354705.2); short protein forms E729Q, E818Q.
Identifiers: ClinVar variation 4857177 (VCV004857177.1).

ClinVar aggregate classification (germline): VUS-high (1 of 4 stars; one submission).

Conditions:
Hereditary spastic paraplegia 10 (SPG10). Also called: SPASTIC PARAPLEGIA 10, AUTOSOMAL DOMINANT; SPASTIC PARAPLEGIA 10 WITH OR WITHOUT PERIPHERAL NEUROPATHY; SPASTIC PARAPLEGIA 10 WITH PERIPHERAL NEUROPATHY. Identifiers: Orphanet 100991, MedGen C1858712, MONDO:0011408, OMIM 604187.

Submission:

Genetics Research Center, University of Social Welfare and Rehabilitation Sciences
Classification: VUS-high for Hereditary spastic paraplegia 10. Review status: criteria provided, single submitter. Criteria: ACMG Guidelines, 2015. Collection method: clinical testing. Allele origin: germline. Inheritance: Autosomal dominant inheritance. Affected: yes. Observed: 1 variant allele, 1 heterozygote.
Comment: The c.2452G>C​(p.Glu818Gln) variant causes a missense change involving the alteration of a conserved nucleotide (Phylop100 = 7.76). The variant was absent in control chromosomes in GnomAD project. The variant co-segregated with disease status within the family and no other related variant was found. Therefore, it is most likely disease-causing but it remains uncertain due to limited evidence.

Literature cited by the submitters: PubMed 42120987.